The following is an entry in ClinVar:

ClinVar aggregate classification (germline): Uncertain significance (1 of 4 stars; one submission).

Conditions:
Neuroocular syndrome 1 (NOC1). Identifiers: Orphanet 659904, MedGen C5925133, MONDO:0971007, OMIM 619539.

gnomAD v4.1: 1 of 1,495,750 alleles (0.000067%); highest among the groups gnomAD compares: South Asian, 0.0013%; no homozygotes.

Submission:

Neuberg Centre For Genomic Medicine, NCGM
Classification: Uncertain significance for Neuroocular syndrome 1. Last evaluated: 2023-06-22. Review status: criteria provided, single submitter. Criteria: ACMG Guidelines, 2015. Collection method: clinical testing. Allele origin: germline. Inheritance: Autosomal dominant inheritance. Affected: yes.
Comment: The observed missense variant c.3497G>A(p.Gly1166Glu) in the PRR12 gene has not been reported previously as a pathogenic variant nor as a benign variant, to our knowledge. This variant is absent in the gnomAD Exomes. The amino acid Gly at position 1166 is changed to a Glu changing protein sequence and it might alter its composition and physico-chemical properties. Multiple lines of computational evidence (Polyphen - Damaging, SIFT - Damaging and MutationTaster - Disease causing) predict a damaging effect on protein structure and function for this variant. The residue is conserved by GERP++ and PhyloP across 100 vertebrates. For these reasons, this variant has been classified as Uncertain Significance.

NM_020719.3(PRR12):c.3497G>A (p.Gly1166Glu)

Gene: PRR12 (proline rich 12; plus strand). Cytogenetic location: 19q13.33.
Variant type: single nucleotide variant.
Coding change: c.3497G>A on transcript NM_020719.3 (MANE Select); coding-DNA position 3497, G replaced by A.
Protein change: p.Gly1166Glu; replaces glycine 1166 with glutamic acid.
Molecular consequence: missense variant.
Genome position (GRCh38, 1-based): chr19:49,597,832, G>A. VCF-style: chr19-49597832-G-A. GRCh37 (hg19) VCF-style: chr19-50101089-G-A.
Other names: short protein forms G1166E.
Identifiers: ClinVar variation 3731455 (VCV003731455.1).